The following is an entry in ClinVar:

NM_001256864.2(DNAJC6):c.2119A>G (p.Met707Val)

Gene: DNAJC6 (DnaJ heat shock protein family (Hsp40) member C6; plus strand). Cytogenetic location: 1p31.3.
Variant type: single nucleotide variant.
Coding change: c.2119A>G on transcript NM_001256864.2 (MANE Select); coding-DNA position 2119, A replaced by G.
Protein change: p.Met707Val; replaces methionine 707 with valine.
Molecular consequence: missense variant.
Genome position (GRCh38, 1-based): chr1:65,401,772, A>G. VCF-style: chr1-65401772-A-G. GRCh37 (hg19) VCF-style: chr1-65867455-A-G.
Other names: c.1909A>G, p.Met637Val (NM_001256865.2); c.1948A>G, p.Met650Val (NM_014787.4); c.1948A>G (NM_014787.2); short protein forms M650V, M637V, M707V.
Identifiers: ClinVar variation 2193577 (VCV002193577.5), dbSNP rs760602927, ClinGen allele CA894094.

ClinVar aggregate classification (germline): Uncertain significance. Review status: criteria provided, multiple submitters, no conflicts (2 of 4 stars). 2 submissions from 2 submitters: Uncertain significance (2). Last evaluated 2025-08-02.

Conditions:
Juvenile onset Parkinson disease 19A. Also called: PARK19; DNAJC6 Parkinson Disease. Identifiers: Orphanet 391411, MedGen C3809811, MONDO:0014231, OMIM 615528.
Inborn genetic diseases. Identifiers: MedGen C0950123, MeSH D030342.

Allele frequency attached by ClinVar (database versions not stated): gnomAD exomes 0.00002; ExAC 0.00004; gnomAD 0.00005; TOPMed 0.00008.
gnomAD v4.1: 34 of 1,612,274 alleles (0.0021%); highest among the groups gnomAD compares: Admixed American, 0.025%; no homozygotes.

Submissions (2):

Ambry Genetics
Classification: Uncertain significance for Inborn genetic diseases. Last evaluated: 2025-08-02. Review status: criteria provided, single submitter. Criteria: Ambry Variant Classification Scheme 2023. Collection method: clinical testing. Allele origin: germline.

Labcorp Genetics (formerly Invitae), Labcorp
Classification: Uncertain significance for Juvenile onset Parkinson disease 19A. Last evaluated: 2024-12-02. Review status: criteria provided, single submitter. Criteria: Invitae Variant Classification Sherloc (09022015). Collection method: clinical testing. Allele origin: germline.
Comment: This sequence change replaces methionine, which is neutral and non-polar, with valine, which is neutral and non-polar, at codon 707 of the DNAJC6 protein (p.Met707Val). This variant is present in population databases (rs760602927, gnomAD 0.04%). This variant has not been reported in the literature in individuals affected with DNAJC6-related conditions. ClinVar contains an entry for this variant (Variation ID: 2193577). An algorithm developed to predict the effect of missense changes on protein structure and function outputs the following: PolyPhen-2: "Benign". The valine amino acid residue is found in multiple mammalian species, which suggests that this missense change does not adversely affect protein function. In summary, the available evidence is currently insufficient to determine the role of this variant in disease. Therefore, it has been classified as a Variant of Uncertain Significance.